The following is an entry in ClinVar:

NM_000030.3(AGXT):c.961G>T (p.Val321Phe)

Gene: AGXT (alanine--glyoxylate aminotransferase; plus strand). Cytogenetic location: 2q37.3.
Variant type: single nucleotide variant.
Coding change: c.961G>T on transcript NM_000030.3 (MANE Select); coding-DNA position 961, G replaced by T.
Protein change: p.Val321Phe; replaces valine 321 with phenylalanine.
Molecular consequence: missense variant.
Genome position (GRCh38, 1-based): chr2:240,878,040, G>T. VCF-style: chr2-240878040-G-T. GRCh37 (hg19) VCF-style: chr2-241817457-G-T.
Other names: short protein forms V321F.
Identifiers: ClinVar variation 1482608 (VCV001482608.5), dbSNP rs2106432020, ClinGen allele CA351319486.

ClinVar aggregate classification (germline): Uncertain significance (1 of 4 stars; one submission).

Submission:

Labcorp Genetics (formerly Invitae), Labcorp
Classification: Uncertain significance. Last evaluated: 2021-09-24. Review status: criteria provided, single submitter. Criteria: Invitae Variant Classification Sherloc (09022015). Collection method: clinical testing. Allele origin: germline.
Comment: This sequence change replaces valine with phenylalanine at codon 321 of the AGXT protein (p.Val321Phe). The valine residue is moderately conserved and there is a small physicochemical difference between valine and phenylalanine. This variant is not present in population databases (ExAC no frequency). This variant has not been reported in the literature in individuals with AGXT-related conditions. Advanced modeling of protein sequence and biophysical properties (such as structural, functional, and spatial information, amino acid conservation, physicochemical variation, residue mobility, and thermodynamic stability) performed at Invitae indicates that this missense variant is expected to disrupt AGXT protein function. In summary, the available evidence is currently insufficient to determine the role of this variant in disease. Therefore, it has been classified as a Variant of Uncertain Significance.